The following is an entry in ClinVar:

NM_000362.5(TIMP3):c.249T>C (p.His83=)

Genes: SYN3 (synapsin III; minus strand), TIMP3 (TIMP metallopeptidase inhibitor 3; plus strand). Cytogenetic location: 22q12.3.
Variant type: single nucleotide variant.
Coding change: c.249T>C on transcript NM_000362.5 (MANE Select); coding-DNA position 249, T replaced by C.
Protein change: p.His83=; no amino-acid change (histidine 83 retained).
Molecular consequence: synonymous variant. On other transcripts: intron variant (7).
Genome position (GRCh38, 1-based): chr22:32,857,293, T>C. VCF-style: chr22-32857293-T-C. GRCh37 (hg19) VCF-style: chr22-33253280-T-C.
Other names: c.708+7622A>G (NM_001369909.1, NM_001135774.2, NM_001369910.1); c.711+7622A>G (NM_001369907.1, NM_003490.4, NM_001369908.1 and 1 more transcripts).
Identifiers: ClinVar variation 255943 (VCV000255943.22), dbSNP rs9862, ClinGen allele CA10202209.

ClinVar aggregate classification (germline): Benign. Review status: criteria provided, multiple submitters, no conflicts (2 of 4 stars). 7 submissions from 7 submitters: Benign (7). Last evaluated 2026-02-04.

Conditions:
Sorsby fundus dystrophy (SFD). Also called: FUNDUS DYSTROPHY, PSEUDOINFLAMMATORY, OF SORSBY; Sorsby fundus dystrophy, Lavia type; MACULAR DYSTROPHY, HEMORRHAGIC. Identifiers: Orphanet 59181, MedGen C1850938, MONDO:0007640, OMIM 136900.
Fundus dystrophy, pseudoinflammatory, recessive form. Also called: PFD, FINNISH TYPE. Identifiers: Orphanet 59181, MedGen C1849694, MONDO:0009918, OMIM 264420.

Allele frequency attached by ClinVar (database versions not stated): ExAC 0.55181; gnomAD 0.59578; ESP Exome Variant Server 0.61272; TOPMed 0.63814; 1000 Genomes Project 0.65096; 1000 Genomes Project 30x 0.65553.
gnomAD v4.1: 846,048 of 1,612,676 alleles (52%); highest among the groups gnomAD compares: African/African-American, 84%; 228,674 homozygotes.

Submissions (7):

Labcorp Genetics (formerly Invitae), Labcorp
Classification: Benign. Last evaluated: 2026-02-04. Review status: criteria provided, single submitter. Criteria: Invitae Variant Classification Sherloc (09022015). Collection method: clinical testing. Allele origin: germline.

Genome-Nilou Lab
Classification: Benign for Sorsby fundus dystrophy. Last evaluated: 2021-09-10. Review status: criteria provided, single submitter. Criteria: ACMG Guidelines, 2015. Collection method: clinical testing. Allele origin: germline. Affected: no.

Mendelics
Classification: Benign for Fundus dystrophy, pseudoinflammatory, recessive form. Last evaluated: 2019-05-28. Review status: criteria provided, single submitter. Criteria: Mendelics Assertion Criteria 2017. Collection method: clinical testing. Allele origin: unknown.

Illumina Laboratory Services, Illumina
Classification: Benign for Sorsby fundus dystrophy. Last evaluated: 2018-01-13. Review status: criteria provided, single submitter. Criteria: ICSL Variant Classification Criteria 13 December 2019. Collection method: clinical testing. Allele origin: germline.
Comment: This variant was observed in the ICSL laboratory as part of a predisposition screen in an ostensibly healthy population. It had not been previously curated by ICSL or reported in the Human Gene Mutation Database (HGMD: prior to June 1st, 2018), and was therefore a candidate for classification through an automated scoring system. Utilizing variant allele frequency, disease prevalence and penetrance estimates, and inheritance mode, an automated score was calculated to assess if this variant is too frequent to cause the disease. Based on the score and internal cut-off values, a variant classified as benign is not then subjected to further curation. The score for this variant resulted in a classification of benign for this disease.

GeneDx
Classification: Benign. Last evaluated: 2015-03-03. Review status: criteria provided, single submitter. Criteria: GeneDx Variant Classification Process June 2021. Collection method: clinical testing. Allele origin: germline. Affected: yes.

Breakthrough Genomics
Classification: Benign. Review status: criteria provided, single submitter. Criteria: ACMG Guidelines, 2015. Collection method: not provided. Allele origin: germline. Inheritance: Autosomal dominant inheritance. Affected: yes.

PreventionGenetics, part of Exact Sciences
Classification: Benign. Review status: criteria provided, single submitter. Criteria: ACMG Guidelines, 2015. Collection method: clinical testing. Allele origin: germline.